The following is an entry in ClinVar:

ClinVar aggregate classification (germline): Uncertain significance (1 of 4 stars; one submission).

gnomAD v4.1: 4 of 1,613,582 alleles (0.00025%); highest among the groups gnomAD compares: Non-Finnish European, 0.00034%; no homozygotes.

Submission:

Labcorp Genetics (formerly Invitae), Labcorp
Classification: Uncertain significance. Last evaluated: 2024-06-22. Review status: criteria provided, single submitter. Criteria: Invitae Variant Classification Sherloc (09022015). Collection method: clinical testing. Allele origin: germline.
Comment: This sequence change replaces isoleucine, which is neutral and non-polar, with threonine, which is neutral and polar, at codon 35 of the ROM1 protein (p.Ile35Thr). This variant is not present in population databases (gnomAD no frequency). This variant has not been reported in the literature in individuals affected with ROM1-related conditions. Advanced modeling of protein sequence and biophysical properties (such as structural, functional, and spatial information, amino acid conservation, physicochemical variation, residue mobility, and thermodynamic stability) performed at Invitae indicates that this missense variant is not expected to disrupt ROM1 protein function with a negative predictive value of 80%. In summary, the available evidence is currently insufficient to determine the role of this variant in disease. Therefore, it has been classified as a Variant of Uncertain Significance.

NM_000327.4(ROM1):c.104T>C (p.Ile35Thr)

Gene: ROM1 (retinal outer segment membrane protein 1; plus strand). Cytogenetic location: 11q12.3.
Variant type: single nucleotide variant.
Coding change: c.104T>C on transcript NM_000327.4 (MANE Select); coding-DNA position 104, T replaced by C.
Protein change: p.Ile35Thr; replaces isoleucine 35 with threonine.
Molecular consequence: missense variant.
Genome position (GRCh38, 1-based): chr11:62,613,385, T>C. VCF-style: chr11-62613385-T-C. GRCh37 (hg19) VCF-style: chr11-62380857-T-C.
Other names: short protein forms I35T.
Identifiers: ClinVar variation 3687970 (VCV003687970.2).